The following is an entry in ClinVar:

ClinVar aggregate classification (germline): Pathogenic. Review status: criteria provided, single submitter (1 of 4 stars). 2 submissions from 2 submitters: Pathogenic (1). 1 of the submissions does not count toward it. Last evaluated 2025-01-06.

Conditions:
Myoclonic epilepsy of Lafora 1 (MELF1). Also called: EPM2A-Related Lafora Disease; Epilepsy, progressive myoclonic 2A (Lafora); EPILEPSY, PROGRESSIVE MYOCLONIC, 2A; LAFORA DISEASE 1. Identifiers: MedGen CN377204, MONDO:0958199, OMIM 254780.
Lafora disease. Also called: Epilepsy progressive myoclonic 2; Progressive Myoclonus Epilepsy, Lafora Type. Identifiers: Orphanet 501, MedGen C0751783, MONDO:0009697.

Allele frequency attached by ClinVar (database versions not stated): gnomAD exomes 0.00001.

Submissions (2):

Broad Center for Mendelian Genomics, Broad Institute of MIT and Harvard
Classification: Pathogenic for Lafora disease. Last evaluated: 2025-01-06. Review status: criteria provided, single submitter. Criteria: ACMG Guidelines, 2015. Collection method: curation. Allele origin: germline. Inheritance: Autosomal recessive inheritance.
Comment: The p.Tyr112Ter (c.335dup) variant in EPM2A has been reported in 2 individuals with Lafora disease (PMID: 9931343, 30041081), and has been identified in 0.001% (1/86250) of South Asian chromosomes by the Genome Aggregation Database (gnomAD; dbSNP rs587776553). Although this variant has been seen in the general population in a heterozygous state, its frequency is low enough to be consistent with a recessive carrier frequency. This variant has also been reported in ClinVar (Variation ID: 3101) and has been interpreted as pathogenic by OMIM. Of the 2 affected individuals, 1 of those was a homozygote, which increases the likelihood that the p.Tyr112Ter variant is pathogenic (PMID: 9931343). In vitro functional studies provide some evidence that the p.Tyr112Ter variant may impact protein function (PMID: 30041081). However, these types of assays may not accurately represent biological function. This nonsense variant leads to a premature termination codon at position 112, which is predicted to lead to a truncated or absent protein. Loss of function of the EPM2A gene is an established disease mechanism in autosomal recessive Lafora disease. In summary, this variant meets criteria to be classified as pathogenic for autosomal recessive Lafora disease. ACMG/AMP Criteria applied: PVS1, PM2_supporting, PM3_supporting, PS3_moderate (Richards 2015).

OMIM
Classification: Pathogenic for MYOCLONIC EPILEPSY OF LAFORA 1. Last evaluated: 2005-10-01. Review status: no assertion criteria provided. Collection method: literature only. Allele origin: germline. Not counted in ClinVar's aggregate classification.

Literature cited by the submitters: PubMed 30041081 (cited by Broad Center for Mendelian Genomics, Broad Institute of MIT and Harvard); PubMed 16134145 (cited by OMIM); PubMed 9931343 (cited by OMIM).

NM_005670.4(EPM2A):c.335dup (p.Tyr112Ter)

Gene: EPM2A (EPM2A glucan phosphatase, laforin; minus strand). Cytogenetic location: 6q24.3.
Variant type: Duplication.
Coding change: c.335dup on transcript NM_005670.4 (MANE Select); coding-DNA position 335, one base duplicated (A; older notation c.335dupA).
Protein change: p.Tyr112Ter; replaces tyrosine 112 with a stop codon.
Molecular consequence: nonsense. On other transcripts: 5 prime UTR variant (5), non-coding transcript variant (1).
Genome position (GRCh38, 1-based): chr6:145,686,263, T duplicated on the plus strand (A on the coding strand, the reverse complement: EPM2A is on the minus strand). VCF-style (leftmost placement, unchanged base first): chr6-145686262-G-GT. GRCh37 (hg19) VCF-style: chr6-146007398-G-GT.
Other names: NM_005670.4(EPM2A):c.335dup; p.Tyr112Ter; c.335dup, p.Tyr112Ter (NM_001018041.2, NM_001360057.2, NM_001368130.1); c.-80dup (NM_001360064.2, NM_001360071.2, NM_001368131.1); c.-289dup (NM_001368129.2, NM_001368132.1); short protein forms Y112*.
Identifiers: ClinVar variation 3101 (VCV000003101.3), dbSNP rs587776553, ClinGen allele CA252545.